The following is an entry in ClinVar:

NM_000642.3(AGL):c.4441G>T (p.Val1481Phe)

Gene: AGL (amylo-alpha-1,6-glucosidase and 4-alpha-glucanotransferase; plus strand). Cytogenetic location: 1p21.2.
Variant type: single nucleotide variant.
Coding change: c.4441G>T on transcript NM_000642.3 (MANE Select); coding-DNA position 4441, G replaced by T.
Protein change: p.Val1481Phe; replaces valine 1481 with phenylalanine.
Molecular consequence: missense variant.
Genome position (GRCh38, 1-based): chr1:99,916,691, G>T. VCF-style: chr1-99916691-G-T. GRCh37 (hg19) VCF-style: chr1-100382247-G-T.
Other names: c.4240G>T, p.Val1414Phe (NM_001425327.1); c.4237G>T, p.Val1413Phe (NM_001425328.1); c.4102G>T, p.Val1368Phe (NM_001425329.1); c.4063G>T, p.Val1355Phe (NM_001425332.1); c.4441G>T, p.Val1481Phe (NM_000028.3, NM_001425325.1, NM_000643.3 and 1 more transcripts); c.4393G>T, p.Val1465Phe (NM_000646.3); c.4420G>T, p.Val1474Phe (NM_001425326.1); short protein forms V1465F, V1481F, V1355F, V1368F, V1413F, V1414F, V1474F.
Identifiers: ClinVar variation 2088040 (VCV002088040.1), dbSNP rs1655143818, ClinGen allele CA341342588.
Genomic context (GRCh38, chr1:99,916,691, plus strand): 5'-GCAAAATTATATTTTTCCAGATTGATGGGCCCGGAGACTACTGCAAAGACTATAGTTTTG[G>T]TTAAAAATGTTCTTTCCCGACATTATGTTCATCTTGAGAGGTAAGTCATCAGGAGCATGT-3'
Protein context (NP_000633.2, residues 1471-1491): PETTAKTIVL[Val1481Phe]KNVLSRHYVH

ClinVar aggregate classification (germline): Uncertain significance (1 of 4 stars; one submission).

Conditions:
Glycogen storage disease type III (GSD3). Also called: Cori disease; FORBES DISEASE. Identifiers: Orphanet 366, MedGen C0017922, MONDO:0009291, OMIM 232400.

Allele frequency attached by ClinVar (database versions not stated): gnomAD exomes below 0.00001.
gnomAD v4.1: 1 of 1,613,308 alleles (0.000062%); highest among the groups gnomAD compares: Non-Finnish European, 0.000085%; no homozygotes.

Submission:

Labcorp Genetics (formerly Invitae), Labcorp
Classification: Uncertain significance for Glycogen storage disease type III. Last evaluated: 2022-08-31. Review status: criteria provided, single submitter. Criteria: Invitae Variant Classification Sherloc (09022015). Collection method: clinical testing. Allele origin: germline.
Comment: This sequence change replaces valine, which is neutral and non-polar, with phenylalanine, which is neutral and non-polar, at codon 1481 of the AGL protein (p.Val1481Phe). This variant is not present in population databases (gnomAD no frequency). This variant has not been reported in the literature in individuals affected with AGL-related conditions. Algorithms developed to predict the effect of missense changes on protein structure and function are either unavailable or do not agree on the potential impact of this missense change (SIFT: "Tolerated"; PolyPhen-2: "Possibly Damaging"; Align-GVGD: "Class C0"). In summary, the available evidence is currently insufficient to determine the role of this variant in disease. Therefore, it has been classified as a Variant of Uncertain Significance.